The following is an entry in ClinVar:

ClinVar aggregate classification (germline): Uncertain significance. Review status: criteria provided, multiple submitters, no conflicts (2 of 4 stars). 2 submissions from 2 submitters: Uncertain significance (2). Last evaluated 2025-03-28.

Conditions:
Hereditary pheochromocytoma and paraganglioma. Also called: Hereditary pheochromocytoma-paraganglioma; Hereditary Paraganglioma-Pheochromocytoma Syndromes; Hereditary paragangliomas and pheochromocytomas. Identifiers: Orphanet 29072, MedGen C4274332, MONDO:0017366.
Hereditary cancer-predisposing syndrome. Also called: Hereditary neoplastic syndrome; Hereditary Cancer Syndrome; Tumor predisposition; Neoplastic Syndromes, Hereditary. Identifiers: Orphanet 140162, MedGen C0027672, MeSH D009386, MONDO:0015356.

Allele frequency attached by ClinVar (database versions not stated): gnomAD exomes below 0.00001 and 0.00001; ExAC 0.00002.
gnomAD v4.1: 2 of 1,611,996 alleles (0.00012%); highest among the groups gnomAD compares: South Asian, 0.0022%; no homozygotes.

Submissions (2):

Ambry Genetics
Classification: Uncertain significance for Hereditary cancer-predisposing syndrome. Last evaluated: 2025-03-28. Review status: criteria provided, single submitter. Criteria: Ambry Variant Classification Scheme 2023. Collection method: clinical testing. Allele origin: germline.
Comment: The p.Q231H variant (also known as c.693G>C), located in coding exon 3 of the TMEM127 gene, results from a G to C substitution at nucleotide position 693. The glutamine at codon 231 is replaced by histidine, an amino acid with highly similar properties. This amino acid position is conserved. In addition, the in silico prediction for this alteration is inconclusive. Based on the available evidence, the clinical significance of this variant remains unclear.

Labcorp Genetics (formerly Invitae), Labcorp
Classification: Uncertain significance for Hereditary pheochromocytoma and paraganglioma. Last evaluated: 2020-12-04. Review status: criteria provided, single submitter. Criteria: Invitae Variant Classification Sherloc (09022015). Collection method: clinical testing. Allele origin: germline.
Comment: In summary, the available evidence is currently insufficient to determine the role of this variant in disease. Therefore, it has been classified as a Variant of Uncertain Significance. Algorithms developed to predict the effect of missense changes on protein structure and function are either unavailable or do not agree on the potential impact of this missense change (SIFT: "Deleterious"; PolyPhen-2: "Probably Damaging"; Align-GVGD: "Class C15"). This variant has not been reported in the literature in individuals with TMEM127-related conditions. This variant is present in population databases (rs755351925, ExAC 0.01%). This sequence change replaces glutamine with histidine at codon 231 of the TMEM127 protein (p.Gln231His). The glutamine residue is highly conserved and there is a small physicochemical difference between glutamine and histidine.

NM_017849.4(TMEM127):c.693G>C (p.Gln231His)

Gene: TMEM127 (transmembrane protein 127; minus strand). Cytogenetic location: 2q11.2.
Variant type: single nucleotide variant.
Coding change: c.693G>C on transcript NM_017849.4 (MANE Select); coding-DNA position 693, G replaced by C.
Protein change: p.Gln231His; replaces glutamine 231 with histidine.
Molecular consequence: missense variant.
Genome position (GRCh38, 1-based): chr2:96,253,832, C>G on the plus strand (G>C on the coding strand, the complement: TMEM127 is on the minus strand). VCF-style: chr2-96253832-C-G. GRCh37 (hg19) VCF-style: chr2-96919570-C-G.
Other names: c.693G>C, p.Gln231His (NM_001193304.3); short protein forms Q231H.
Identifiers: ClinVar variation 962522 (VCV000962522.10), dbSNP rs755351925, ClinGen allele CA1777256.
Genomic context (GRCh38, chr2:96,253,832, plus strand): 5'-GGAGGGGCTGCCGAGGAAGAGAGCCCAGGGCTGGCATTAGGGTGTGTAAGCAGGGGGTGG[C>G]TGGAACTGGTTGATGACCTCATATTCCGCCGGGTAGGGCTCGTTCTCTTCCATCTCTGAG-3'
Protein context (NP_060319.1, residues 221-238): PAEYEVINQF[Gln231His]PPPAYTP